The following is an entry in ClinVar:

NM_001287.6(CLCN7):c.889G>A (p.Val297Met)

Gene: CLCN7 (Cl-/H+ antiporter 7; minus strand). Cytogenetic location: 16p13.3.
Variant type: single nucleotide variant.
Coding change: c.889G>A on transcript NM_001287.6 (MANE Select); coding-DNA position 889, G replaced by A.
Protein change: p.Val297Met; replaces valine 297 with methionine.
Molecular consequence: missense variant.
Genome position (GRCh38, 1-based): chr16:1,456,140, C>T on the plus strand (G>A on the coding strand, the complement: CLCN7 is on the minus strand). VCF-style: chr16-1456140-C-T. GRCh37 (hg19) VCF-style: chr16-1506141-C-T.
Other names: c.817G>A, p.Val273Met (NM_001114331.3); short protein forms V273M, V297M.
Identifiers: ClinVar variation 985180 (VCV000985180.6), dbSNP rs769080435, ClinGen allele CA394190302.

ClinVar aggregate classification (germline): Conflicting classifications of pathogenicity. Review status: criteria provided, conflicting classifications (1 of 4 stars). 2 submissions from 2 submitters: Pathogenic (1); Uncertain significance (1). Last evaluated 2025-05-26.

Conditions:
Inborn genetic diseases. Identifiers: MedGen C0950123, MeSH D030342.

Submissions (2):

Labcorp Genetics (formerly Invitae), Labcorp
Classification: Uncertain significance. Last evaluated: 2025-05-26. Review status: criteria provided, single submitter. Criteria: Invitae Variant Classification Sherloc (09022015). Collection method: clinical testing. Allele origin: germline.
Comment: This sequence change replaces valine, which is neutral and non-polar, with methionine, which is neutral and non-polar, at codon 297 of the CLCN7 protein (p.Val297Met). This variant is not present in population databases (gnomAD no frequency). This missense change has been observed in individual(s) with osteopetrosis (PMID: 20424301). ClinVar contains an entry for this variant (Variation ID: 985180). Invitae Evidence Modeling of protein sequence and biophysical properties (such as structural, functional, and spatial information, amino acid conservation, physicochemical variation, residue mobility, and thermodynamic stability) indicates that this missense variant is expected to disrupt CLCN7 protein function with a positive predictive value of 95%. Experimental studies have shown that this missense change affects CLCN7 function (PMID: 21527911). In summary, the available evidence is currently insufficient to determine the role of this variant in disease. Therefore, it has been classified as a Variant of Uncertain Significance.

Ambry Genetics
Classification: Pathogenic for Inborn genetic diseases. Last evaluated: 2018-07-09. Review status: criteria provided, single submitter. Criteria: Ambry exome assertion method (8-5-2015). Collection method: clinical testing. Allele origin: germline. Affected: yes. Observed: 1 variant allele.

Literature cited by the submitters: PubMed 20424301 (cited by Labcorp Genetics (formerly Invitae), Labcorp and Ambry Genetics); PubMed 21527911 (cited by Labcorp Genetics (formerly Invitae), Labcorp and Ambry Genetics).